The following is an entry in ClinVar:

NM_019066.5(MAGEL2):c.-5G>A

Gene: MAGEL2 (MAGE family member L2; minus strand). Cytogenetic location: 15q11.2.
Variant type: single nucleotide variant.
Coding change: c.-5G>A on transcript NM_019066.5 (MANE Select); 5 bases upstream of the start codon, G replaced by A.
Molecular consequence: 5 prime UTR variant.
Genome position (GRCh38, 1-based): chr15:23,647,747, C>T on the plus strand (G>A on the coding strand, the complement: MAGEL2 is on the minus strand). VCF-style: chr15-23647747-C-T. GRCh37 (hg19) VCF-style: chr15-23892894-C-T.
Identifiers: ClinVar variation 2575553 (VCV002575553.2), dbSNP rs1209023569, ClinGen allele CA2575650117.

ClinVar aggregate classification (germline): Uncertain significance (1 of 4 stars; one submission).

Submission:

GeneDx
Classification: Uncertain significance. Last evaluated: 2025-05-29. Review status: criteria provided, single submitter. Criteria: GeneDx Variant Classification Process June 2021. Collection method: clinical testing. Allele origin: germline. Affected: yes.
Comment: Not observed at significant frequency in large population cohorts (gnomAD); Nucleotide is not conserved across species and the substitution has no predicted effect on splicing; Has not been previously published as pathogenic or benign to our knowledge; Located in a regulatory region; in the absence of functional studies, the actual effect of this sequence change is unknown